The following is an entry in ClinVar:

ClinVar aggregate classification (germline): Uncertain significance (1 of 4 stars; one submission).

Submission:

GeneDx
Classification: Uncertain significance. Last evaluated: 2026-04-02. Review status: criteria provided, single submitter. Criteria: GeneDx Variant Classification Process June 2021. Collection method: clinical testing. Allele origin: germline.
Comment: Not observed at significant frequency in large population cohorts (gnomAD); In silico analysis suggests that this missense variant does not alter protein structure/function; Has not been previously published as pathogenic or benign to our knowledge

NM_001080421.3(UNC13A):c.5083G>C (p.Glu1695Gln)

Gene: UNC13A (unc-13 homolog A; minus strand). Cytogenetic location: 19p13.11.
Variant type: single nucleotide variant.
Coding change: c.5083G>C on transcript NM_001080421.3 (MANE Select); coding-DNA position 5083, G replaced by C.
Protein change: p.Glu1695Gln; replaces glutamic acid 1695 with glutamine.
Molecular consequence: missense variant.
Genome position (GRCh38, 1-based): chr19:17,606,083, C>G on the plus strand (G>C on the coding strand, the complement: UNC13A is on the minus strand). VCF-style: chr19-17606083-C-G. GRCh37 (hg19) VCF-style: chr19-17716892-C-G.
Other names: c.5068G>C, p.Glu1690Gln (NM_001387022.1); c.5002G>C, p.Glu1668Gln (NM_001387023.1); c.5071G>C, p.Glu1691Gln (NM_001387021.1); short protein forms E1668Q, E1690Q, E1691Q, E1695Q.
Identifiers: ClinVar variation 5018032 (VCV005018032.1).